The following is an entry in ClinVar:

ClinVar aggregate classification (germline): Uncertain significance (1 of 4 stars; one submission).

Submission:

Labcorp Genetics (formerly Invitae), Labcorp
Classification: Uncertain significance. Last evaluated: 2025-08-11. Review status: criteria provided, single submitter. Criteria: Invitae Variant Classification Sherloc (09022015). Collection method: clinical testing. Allele origin: germline.
Comment: This sequence change replaces cysteine, which is neutral and slightly polar, with tyrosine, which is neutral and polar, at codon 15 of the MESDC2 protein (p.Cys15Tyr). This variant is not present in population databases (gnomAD no frequency). This variant has not been reported in the literature in individuals affected with MESDC2-related conditions. ClinVar contains an entry for this variant (Variation ID: 2057624). An algorithm developed to predict the effect of missense changes on protein structure and function (PolyPhen-2) suggests that this variant is likely to be tolerated. In summary, the available evidence is currently insufficient to determine the role of this variant in disease. Therefore, it has been classified as a Variant of Uncertain Significance.

NM_015154.3(MESD):c.44G>A (p.Cys15Tyr)

Genes: MESD (mesoderm development LRP chaperone; minus strand), LOC121530597 (Sharpr-MPRA regulatory region 7880; plus strand). Cytogenetic location: 15q25.1.
Variant type: single nucleotide variant.
Coding change: c.44G>A on transcript NM_015154.3 (MANE Select); coding-DNA position 44, G replaced by A.
Protein change: p.Cys15Tyr; replaces cysteine 15 with tyrosine.
Molecular consequence: missense variant. On other transcripts: non-coding transcript variant (2).
Genome position (GRCh38, 1-based): chr15:80,989,748, C>T on the plus strand (G>A on the coding strand, the complement: MESD is on the minus strand). VCF-style: chr15-80989748-C-T. GRCh37 (hg19) VCF-style: chr15-81282089-C-T.
Other names: short protein forms C15Y.
Identifiers: ClinVar variation 2057624 (VCV002057624.4), dbSNP rs2542689791, ClinGen allele CA393258281.